The following is an entry in ClinVar:

ClinVar aggregate classification (germline): Conflicting classifications of pathogenicity. Review status: criteria provided, conflicting classifications (1 of 4 stars). 6 submissions from 6 submitters: Pathogenic (1); Likely pathogenic (2); Uncertain significance (2). 1 of the submissions does not count toward it. Last evaluated 2025-10-07.

Conditions:
Lipoyl transferase 1 deficiency. Also called: Lipoyltransferase 1 deficiency. Identifiers: Orphanet 401862, MedGen C4225379, MONDO:0014576, OMIM 616299.

Allele frequency attached by ClinVar (database versions not stated): TOPMed 0.00011; gnomAD 0.00019; 1000 Genomes Project 0.00020; 1000 Genomes Project 30x 0.00031.
gnomAD v4.1: 285 of 1,613,220 alleles (0.018%); highest among the groups gnomAD compares: Non-Finnish European, 0.023%; no homozygotes.

Submissions (6):

Women's Health and Genetics/Laboratory Corporation of America, LabCorp
Classification: Uncertain significance. Last evaluated: 2025-10-07. Review status: criteria provided, single submitter. Criteria: LabCorp Variant Classification Summary - May 2015. Collection method: clinical testing. Allele origin: germline.
Comment: Variant summary: LIPT1 c.292C>G (p.Arg98Gly) results in a non-conservative amino acid change in the encoded protein sequence. Algorithms developed to predict the effect of missense changes on protein structure and function all suggest that this variant is likely to be disruptive. The variant allele was found at a frequency of 0.00012 in 249996 control chromosomes. This frequency is not significantly higher than estimated for disease-causing variants in LIPT1, allowing no conclusion about variant significance. c.292C>G has been observed in one individual affected with clinical features of Lipoyl Transferase 1 Deficiency (Tort_2014). These data do not allow any conclusion about variant significance. To our knowledge, no experimental evidence demonstrating an impact on protein function has been reported. The following publication have been ascertained in the context of this evaluation (PMID: 24256811). ClinVar contains an entry for this variant (Variation ID: 189836). Based on the evidence outlined above, the variant was classified as uncertain significance.

Labcorp Genetics (formerly Invitae), Labcorp
Classification: Uncertain significance. Last evaluated: 2024-12-16. Review status: criteria provided, single submitter. Criteria: Invitae Variant Classification Sherloc (09022015). Collection method: clinical testing. Allele origin: germline.
Comment: This sequence change replaces arginine, which is basic and polar, with glycine, which is neutral and non-polar, at codon 98 of the LIPT1 protein (p.Arg98Gly). This variant is present in population databases (rs137973334, gnomAD 0.02%). This missense change has been observed in individual(s) with clinical features of lipoyltransferase 1 deficiency (PMID: 24256811). ClinVar contains an entry for this variant (Variation ID: 189836). Invitae Evidence Modeling of protein sequence and biophysical properties (such as structural, functional, and spatial information, amino acid conservation, physicochemical variation, residue mobility, and thermodynamic stability) indicates that this missense variant is expected to disrupt LIPT1 protein function with a positive predictive value of 80%. In summary, the available evidence is currently insufficient to determine the role of this variant in disease. Therefore, it has been classified as a Variant of Uncertain Significance.

Department of Pathology and Laboratory Medicine, Sinai Health System
Classification: Likely pathogenic for Lipoyl transferase 1 deficiency. Last evaluated: 2023-05-29. Review status: criteria provided, single submitter. Criteria: ACMG Guidelines, 2015. Collection method: research. Allele origin: germline.

GeneDx
Classification: Pathogenic. Last evaluated: 2022-08-12. Review status: criteria provided, single submitter. Criteria: GeneDx Variant Classification Process June 2021. Collection method: clinical testing. Allele origin: germline. Affected: yes.
Comment: Published functional studies in patient fibroblasts demonstrate that transfection of wildtype LIPT1 enzyme rescued PDHC complex activity, whereas transfection of R98G LIPT1 enzyme did not (Tort et al., 2014); In silico analysis supports that this missense variant has a deleterious effect on protein structure/function; This variant is associated with the following publications: (PMID: 24256811, 29681092, 27247813, 26740555, 28719003, 26633542)

Illumina Laboratory Services, Illumina
Classification: Likely pathogenic. Last evaluated: 2022-08-05. Review status: criteria provided, single submitter. Criteria: ICSL CNVClassificationCriteria Aug2020. Collection method: clinical testing. Allele origin: unknown. Affected: yes.
Comment: The LIPT1 c.292C>G (p.Arg98Gly) missense variant results in the substitution of arginine at amino acid position 98 with glycine.The c.292C>G variant is reported in a compound heterozygous state in two affected individuals in the literature, in both instances, in trans with the p.Ser71Phe variant (PMID: 24256811; PMID: 34440436). Normal LIPT1 protein levels are reported in patient liver cells, but transfection of patient fibroblasts with the c.292C>G variant did not restore lipoylation of mitochondrial proteins, PDHC activity, or increase the oxidation rate of pyruvate or leucine, suggesting a loss of function consequence. Additionally, the Arg98 residue is conserved and structural modelling suggests that it is involved in lipoic acid binding (PMID: 24256811; PMID: 17570395). The c.292C>G variant is reported at a frequency of 0.000241 in the European (non-Finnish) population of the Genome Aggregation Database (version 2.1.1). Based on the available evidence, c.292C>G (p.Arg98Gly) variant is classified as likely pathogenic for lipoyltransferase 1 deficiency.

OMIM
Classification: Pathogenic for LIPOYLTRANSFERASE 1 DEFICIENCY. Last evaluated: 2014-04-01. Review status: no assertion criteria provided. Collection method: literature only. Allele origin: germline. Not counted in ClinVar's aggregate classification.

Literature cited by the submitters: PubMed 24256811 (cited by 4 submitters); PubMed 17570395 (cited by Illumina Laboratory Services, Illumina); PubMed 34440436 (cited by Illumina Laboratory Services, Illumina).

NM_145199.3(LIPT1):c.292C>G (p.Arg98Gly)

Genes: LIPT1 (lipoyltransferase 1; plus strand), MITD1 (microtubule interacting and trafficking domain containing 1; minus strand). Cytogenetic location: 2q11.2.
Variant type: single nucleotide variant.
Coding change: c.292C>G on transcript NM_145199.3 (MANE Select); coding-DNA position 292, C replaced by G.
Protein change: p.Arg98Gly; replaces arginine 98 with glycine.
Molecular consequence: missense variant. On other transcripts: non-coding transcript variant (2).
Genome position (GRCh38, 1-based): chr2:99,162,249, C>G. VCF-style: chr2-99162249-C-G. GRCh37 (hg19) VCF-style: chr2-99778712-C-G.
Other names: LIPT1, ARG98GLY (rs137973334); c.292C>G, p.Arg98Gly (NM_001204830.2, NM_015929.4, NM_145197.3 and 1 more transcripts); short protein forms R98G.
Identifiers: ClinVar variation 189836 (VCV000189836.15), dbSNP rs137973334, ClinGen allele CA199530.